The following is an entry in ClinVar:

NM_004629.2(FANCG):c.1706C>T (p.Ala569Val)

Gene: FANCG (FA complementation group G; minus strand). Cytogenetic location: 9p13.3.
Variant type: single nucleotide variant.
Coding change: c.1706C>T on transcript NM_004629.2 (MANE Select); coding-DNA position 1706, C replaced by T.
Protein change: p.Ala569Val; replaces alanine 569 with valine.
Molecular consequence: missense variant.
Genome position (GRCh38, 1-based): chr9:35,074,425, G>A on the plus strand (C>T on the coding strand, the complement: FANCG is on the minus strand). VCF-style: chr9-35074425-G-A. GRCh37 (hg19) VCF-style: chr9-35074422-G-A.
Other names: short protein forms A569V.
Identifiers: ClinVar variation 4254473 (VCV004254473.1).

ClinVar aggregate classification (germline): Uncertain significance (1 of 4 stars; one submission).

Conditions:
Inborn genetic diseases. Identifiers: MedGen C0950123, MeSH D030342.

Submission:

Ambry Genetics
Classification: Uncertain significance for Inborn genetic diseases. Last evaluated: 2025-08-10. Review status: criteria provided, single submitter. Criteria: Ambry Variant Classification Scheme 2023. Collection method: clinical testing. Allele origin: germline.
Comment: The p.A569V variant (also known as c.1706C>T), located in coding exon 13 of the FANCG gene, results from a C to T substitution at nucleotide position 1706. The alanine at codon 569 is replaced by valine, an amino acid with similar properties. This amino acid position is conserved. In addition, this alteration is predicted to be tolerated by in silico analysis. Based on the available evidence, the clinical significance of this variant remains unclear.